The following is an entry in ClinVar:

ClinVar aggregate classification (germline): Uncertain significance (1 of 4 stars; one submission).

Submission:

GeneDx
Classification: Uncertain significance. Last evaluated: 2022-04-08. Review status: criteria provided, single submitter. Criteria: GeneDx Variant Classification Process June 2021. Collection method: clinical testing. Allele origin: germline. Affected: yes.
Comment: Not observed at significant frequency in large population cohorts (gnomAD); In silico analysis supports that this missense variant has a deleterious effect on protein structure/function; Has not been previously published as pathogenic or benign to our knowledge

NM_000350.3(ABCA4):c.6647C>G (p.Ala2216Gly)

Gene: ABCA4 (ATP binding cassette subfamily A member 4; minus strand). Cytogenetic location: 1p22.1.
Variant type: single nucleotide variant.
Coding change: c.6647C>G on transcript NM_000350.3 (MANE Select); coding-DNA position 6647, C replaced by G.
Protein change: p.Ala2216Gly; replaces alanine 2216 with glycine.
Molecular consequence: missense variant.
Genome position (GRCh38, 1-based): chr1:93,997,943, G>C on the plus strand (C>G on the coding strand, the complement: ABCA4 is on the minus strand). VCF-style: chr1-93997943-G-C. GRCh37 (hg19) VCF-style: chr1-94463499-G-C.
Other names: c.6425C>G, p.Ala2142Gly (NM_001425324.1); short protein forms A2216G, A2142G.
Identifiers: ClinVar variation 1676856 (VCV001676856.2), dbSNP rs886044763, ClinGen allele CA341276390.